The following is an entry in ClinVar:

NM_000718.4(CACNA1B):c.3292A>C (p.Asn1098His)

Genes: CACNA1B (calcium voltage-gated channel subunit alpha1 B; plus strand), LOC101928786 (uncharacterized LOC101928786; minus strand). Cytogenetic location: 9q34.3.
Variant type: single nucleotide variant.
Coding change: c.3292A>C on transcript NM_000718.4 (MANE Select); coding-DNA position 3292, A replaced by C.
Protein change: p.Asn1098His; replaces asparagine 1098 with histidine.
Molecular consequence: missense variant. On other transcripts: non-coding transcript variant (1).
Genome position (GRCh38, 1-based): chr9:138,043,779, A>C. VCF-style: chr9-138043779-A-C. GRCh37 (hg19) VCF-style: chr9-140938231-A-C.
Other names: c.3292A>C, p.Asn1098His (NM_001243812.2); short protein forms N1098H.
Identifiers: ClinVar variation 3342955 (VCV003342955.1).

ClinVar aggregate classification (germline): Uncertain significance (1 of 4 stars; one submission).

gnomAD v4.1: 3 of 1,613,774 alleles (0.00019%); highest among the groups gnomAD compares: Non-Finnish European, 0.00025%; no homozygotes.

Submission:

GeneDx
Classification: Uncertain significance. Last evaluated: 2023-04-10. Review status: criteria provided, single submitter. Criteria: GeneDx Variant Classification Process June 2021. Collection method: clinical testing. Allele origin: germline. Affected: yes.
Comment: Not observed at significant frequency in large population cohorts (gnomAD); In silico analysis supports that this missense variant has a deleterious effect on protein structure/function; Has not been previously published as pathogenic or benign to our knowledge; Variants in candidate genes are classified as variants of uncertain significance in accordance with ACMG guidelines (Richards et al., 2015)